The following is an entry in ClinVar:

ClinVar aggregate classification (germline): Uncertain significance (1 of 4 stars; one submission).

Conditions:
Cardiovascular phenotype. Identifiers: MedGen CN230736.

Submission:

Ambry Genetics
Classification: Uncertain significance for Cardiovascular phenotype. Last evaluated: 2023-06-16. Review status: criteria provided, single submitter. Criteria: Ambry Variant Classification Scheme 2023. Collection method: clinical testing. Allele origin: germline.
Comment: The c.707+2T>C intronic variant results from a T to C substitution two nucleotides after coding exon 3 in the JUP gene. This nucleotide position is highly conserved in available vertebrate species. In silico splice site analysis predicts that this alteration will weaken the native splice donor site and will result in the creation or strengthening of a novel splice donor site. Alterations that disrupt the canonical splice site are expected to cause aberrant splicing, resulting in an abnormal protein or a transcript that is subject to nonsense-mediated mRNA decay; however, +2T>C alterations are capable of generating wild-type transcripts in some genomic contexts and should be interpreted with caution (Lin JH et al. Hum Mutat. 2019 10;40:1856-1873). Since supporting evidence is limited at this time, the clinical significance of this alteration remains unclear.

NM_002230.4(JUP):c.707+2T>C

Gene: JUP (junction plakoglobin; minus strand). Cytogenetic location: 17q21.2.
Variant type: single nucleotide variant.
Coding change: c.707+2T>C on transcript NM_002230.4 (MANE Select); the canonical splice donor site of the intron after coding-DNA position 707, T replaced by C.
Molecular consequence: splice donor variant.
Genome position (GRCh38, 1-based): chr17:41,768,967, A>G on the plus strand (T>C on the coding strand, the complement: JUP is on the minus strand). VCF-style: chr17-41768967-A-G. GRCh37 (hg19) VCF-style: chr17-39925219-A-G.
Other names: c.707+2T>C (NM_001352774.2, NM_021991.4, NM_001352776.2 and 3 more transcripts).
Identifiers: ClinVar variation 2563201 (VCV002563201.3), dbSNP rs2544178937, ClinGen allele CA399502133.